The following is an entry in ClinVar:

ClinVar aggregate classification (germline): Uncertain significance. Review status: criteria provided, multiple submitters, no conflicts (2 of 4 stars). 3 submissions from 3 submitters: Uncertain significance (3). Last evaluated 2024-04-04.

Conditions:
Hereditary cancer-predisposing syndrome. Also called: Hereditary neoplastic syndrome; Tumor predisposition; Neoplastic Syndromes, Hereditary; Hereditary Cancer Syndrome. Identifiers: Orphanet 140162, MedGen C0027672, MeSH D009386, MONDO:0015356.
Global developmental delay - lung cysts - overgrowth - Wilms tumor syndrome. Also called: GLOW Syndrome; GLOBAL DEVELOPMENTAL DELAY, LUNG CYSTS, OVERGROWTH, AND WILMS TUMOR. Identifiers: Orphanet 404476, MedGen C4748924, MONDO:0018445, OMIM 618272.
DICER1-related tumor predisposition. Also called: DICER1-related pleuropulmonary blastoma cancer predisposition syndrome; DICER1 syndrome. Identifiers: Orphanet 284343, MedGen C3839822, MONDO:0100216.

Allele frequency attached by ClinVar (database versions not stated): gnomAD exomes below 0.00001.
gnomAD v4.1: 2 of 1,614,018 alleles (0.00012%); highest among the groups gnomAD compares: African/African-American, 0.0013%; no homozygotes.

Submissions (3):

Ambry Genetics
Classification: Uncertain significance for Hereditary cancer-predisposing syndrome. Last evaluated: 2024-04-04. Review status: criteria provided, single submitter. Criteria: Ambry Variant Classification Scheme 2023. Collection method: clinical testing. Allele origin: germline.
Comment: The p.I441V variant (also known as c.1321A>G), located in coding exon 7 of the DICER1 gene, results from an A to G substitution at nucleotide position 1321. The isoleucine at codon 441 is replaced by valine, an amino acid with highly similar properties. This amino acid position is conserved. In addition, this alteration is predicted to be tolerated by in silico analysis. Based on the available evidence, the clinical significance of this variant remains unclear.

Labcorp Genetics (formerly Invitae), Labcorp
Classification: Uncertain significance for DICER1-related tumor predisposition. Last evaluated: 2024-01-27. Review status: criteria provided, single submitter. Criteria: Invitae Variant Classification Sherloc (09022015). Collection method: clinical testing. Allele origin: germline.
Comment: This sequence change replaces isoleucine, which is neutral and non-polar, with valine, which is neutral and non-polar, at codon 441 of the DICER1 protein (p.Ile441Val). This variant is not present in population databases (gnomAD no frequency). This variant has not been reported in the literature in individuals affected with DICER1-related conditions. ClinVar contains an entry for this variant (Variation ID: 1482411). Advanced modeling of protein sequence and biophysical properties (such as structural, functional, and spatial information, amino acid conservation, physicochemical variation, residue mobility, and thermodynamic stability) performed at Invitae indicates that this missense variant is not expected to disrupt DICER1 protein function with a negative predictive value of 80%. In summary, the available evidence is currently insufficient to determine the role of this variant in disease. Therefore, it has been classified as a Variant of Uncertain Significance.

Baylor Genetics
Classification: Uncertain significance for Global developmental delay - lung cysts - overgrowth - Wilms tumor syndrome. Last evaluated: 2023-10-02. Review status: criteria provided, single submitter. Criteria: ACMG Guidelines, 2015. Collection method: clinical testing. Allele origin: unknown.

NM_177438.3(DICER1):c.1321A>G (p.Ile441Val)

Gene: DICER1 (dicer 1, ribonuclease III; minus strand). Cytogenetic location: 14q32.13.
Variant type: single nucleotide variant.
Coding change: c.1321A>G on transcript NM_177438.3 (MANE Select); coding-DNA position 1321, A replaced by G.
Protein change: p.Ile441Val; replaces isoleucine 441 with valine.
Molecular consequence: missense variant.
Genome position (GRCh38, 1-based): chr14:95,124,251, T>C on the plus strand (A>G on the coding strand, the complement: DICER1 is on the minus strand). VCF-style: chr14-95124251-T-C. GRCh37 (hg19) VCF-style: chr14-95590588-T-C.
Other names: c.1321A>G, p.Ile441Val (NM_001195573.1, NM_001271282.3, NM_001291628.2 and 1 more transcripts); c.1321A>G (NM_177438.2); short protein forms I441V.
Identifiers: ClinVar variation 1482411 (VCV001482411.11), dbSNP rs2140201278, ClinGen allele CA390886232.